The following is an entry in ClinVar:

ClinVar aggregate classification (germline): Uncertain significance (1 of 4 stars; one submission).

Submission:

GeneDx
Classification: Uncertain significance. Last evaluated: 2024-02-20. Review status: criteria provided, single submitter. Criteria: GeneDx Variant Classification Process June 2021. Collection method: clinical testing. Allele origin: germline. Affected: yes.
Comment: Not observed at significant frequency in large population cohorts (gnomAD); In silico analysis supports that this missense variant does not alter protein structure/function; Has not been previously published as pathogenic or benign to our knowledge

NM_015922.3(NSDHL):c.1076T>C (p.Met359Thr)

Gene: NSDHL (NAD(P) dependent steroid dehydrogenase-like; plus strand). Cytogenetic location: Xq28.
Variant type: single nucleotide variant.
Coding change: c.1076T>C on transcript NM_015922.3 (MANE Select); coding-DNA position 1076, T replaced by C.
Protein change: p.Met359Thr; replaces methionine 359 with threonine.
Molecular consequence: missense variant.
Genome position (GRCh38, 1-based): chrX:152,869,070, T>C. VCF-style: chrX-152869070-T-C. GRCh37 (hg19) VCF-style: chrX-152037614-T-C.
Other names: c.1076T>C, p.Met359Thr (NM_001129765.2); short protein forms M359T.
Identifiers: ClinVar variation 3369517 (VCV003369517.1).